The following is an entry in ClinVar:

ClinVar aggregate classification (germline): Likely pathogenic (1 of 4 stars; one submission).

Conditions:
Werner syndrome (WRN). Identifiers: Orphanet 902, MedGen C0043119, MONDO:0010196, OMIM 277700.

Submission:

Labcorp Genetics (formerly Invitae), Labcorp
Classification: Likely pathogenic for Werner syndrome. Last evaluated: 2023-07-19. Review status: criteria provided, single submitter. Criteria: Invitae Variant Classification Sherloc (09022015). Collection method: clinical testing. Allele origin: germline.
Comment: In summary, the currently available evidence indicates that the variant is pathogenic, but additional data are needed to prove that conclusively. Therefore, this variant has been classified as Likely Pathogenic. Algorithms developed to predict the effect of sequence changes on RNA splicing suggest that this variant may disrupt the consensus splice site. This variant has not been reported in the literature in individuals affected with WRN-related conditions. This variant is not present in population databases (gnomAD no frequency). This sequence change affects an acceptor splice site in intron 24 of the WRN gene. It is expected to disrupt RNA splicing. Variants that disrupt the donor or acceptor splice site typically lead to a loss of protein function (PMID: 16199547), and loss-of-function variants in WRN are known to be pathogenic (PMID: 16673358).

Literature cited by the submitters: PubMed 16199547; PubMed 16673358.

NM_000553.6(WRN):c.2968-1G>C

Gene: WRN (WRN RecQ like helicase; plus strand). Cytogenetic location: 8p12.
Variant type: single nucleotide variant.
Coding change: c.2968-1G>C on transcript NM_000553.6 (MANE Select); the canonical splice acceptor site of the intron before coding-DNA position 2968, G replaced by C.
Molecular consequence: splice acceptor variant.
Genome position (GRCh38, 1-based): chr8:31,141,429, G>C. VCF-style: chr8-31141429-G-C. GRCh37 (hg19) VCF-style: chr8-30998945-G-C.
Identifiers: ClinVar variation 2882247 (VCV002882247.3), dbSNP rs1300106191, ClinGen allele CA370921579.
Genomic context (GRCh38, chr8:31,141,429, plus strand): 5'-TTTACTTAACCTATATGTTTAAATTAGCATTTTTAGATACTGATTTTATTCCTAATTTCA[G>C]AATTCTCAGCGTCTTGCCGATCAATATCGCAGGCACAGTTTATTTGGCACTGGCAAGGAT-3'